The following is an entry in ClinVar:

ClinVar aggregate classification (germline): Uncertain significance (1 of 4 stars; one submission).

Conditions:
Landau-Kleffner syndrome (FESD). Also called: APHASIA, ACQUIRED, WITH EPILEPSY; EPILEPSY, FOCAL, WITH SPEECH DISORDER AND WITH OR WITHOUT MENTAL RETARDATION. Identifiers: Orphanet 1945, Orphanet 725, Orphanet 98818, MedGen C0282512, MONDO:0009509, OMIM 245570.

Submission:

Labcorp Genetics (formerly Invitae), Labcorp
Classification: Uncertain significance for Landau-Kleffner syndrome. Last evaluated: 2020-02-10. Review status: criteria provided, single submitter. Criteria: Invitae Variant Classification Sherloc (09022015). Collection method: clinical testing. Allele origin: germline.
Comment: This sequence change replaces alanine with serine at codon 650 of the GRIN2A protein (p.Ala650Ser). The alanine residue is highly conserved and there is a moderate physicochemical difference between alanine and serine. This variant is not present in population databases (ExAC no frequency). This variant has not been reported in the literature in individuals with GRIN2A-related conditions. Algorithms developed to predict the effect of missense changes on protein structure and function (SIFT, PolyPhen-2, Align-GVGD) all suggest that this variant is likely to be disruptive, but these predictions have not been confirmed by published functional studies and their clinical significance is uncertain. In summary, the available evidence is currently insufficient to determine the role of this variant in disease. Therefore, it has been classified as a Variant of Uncertain Significance.

NM_001134407.3(GRIN2A):c.1948G>T (p.Ala650Ser)

Gene: GRIN2A (glutamate ionotropic receptor NMDA type subunit 2A; minus strand). Cytogenetic location: 16p13.2.
Variant type: single nucleotide variant.
Coding change: c.1948G>T on transcript NM_001134407.3 (MANE Select); coding-DNA position 1948, G replaced by T.
Protein change: p.Ala650Ser; replaces alanine 650 with serine.
Molecular consequence: missense variant.
Genome position (GRCh38, 1-based): chr16:9,829,482, C>A on the plus strand (G>T on the coding strand, the complement: GRIN2A is on the minus strand). VCF-style: chr16-9829482-C-A. GRCh37 (hg19) VCF-style: chr16-9923339-C-A.
Other names: c.1948G>T (NM_000833.4); c.1948G>T, p.Ala650Ser (NM_000833.5, NM_001134408.2); short protein forms A650S.
Identifiers: ClinVar variation 1021787 (VCV001021787.14), dbSNP rs2042447713, ClinGen allele CA394799296.